The following is an entry in ClinVar:

NM_001166114.2(PNPLA6):c.1246A>C (p.Ile416Leu)

Gene: PNPLA6 (patatin like domain 6, lysophospholipase; plus strand). Cytogenetic location: 19p13.2.
Variant type: single nucleotide variant.
Coding change: c.1246A>C on transcript NM_001166114.2 (MANE Select); coding-DNA position 1246, A replaced by C.
Protein change: p.Ile416Leu; replaces isoleucine 416 with leucine.
Molecular consequence: missense variant.
Genome position (GRCh38, 1-based): chr19:7,542,061, A>C. VCF-style: chr19-7542061-A-C. GRCh37 (hg19) VCF-style: chr19-7606947-A-C.
Other names: c.1273A>C, p.Ile425Leu (NM_001166111.2); c.1129A>C, p.Ile377Leu (NM_001166112.2, NM_001166113.1, NM_006702.5); short protein forms I416L, I377L, I425L.
Identifiers: ClinVar variation 1948566 (VCV001948566.5), dbSNP rs1238038334, ClinGen allele CA403110648.
Genomic context (GRCh38, chr19:7,542,061, plus strand): 5'-ACATCCCTGGAAACCCCCTCGGCCCCTCTGCTGAGCCGCTGCGTCTCCATGCCAGGGGAC[A>C]TCTCAGGTTTGGAGCACTGGGTCTGCGGGGAGGGCCATGGAGCTTCCAGGTTTGAATCCA-3'
Protein context (NP_001159586.1, residues 406-426): LSRCVSMPGD[Ile416Leu]SGLQGGPRSD

ClinVar aggregate classification (germline): Uncertain significance (1 of 4 stars; one submission).

Conditions:
Hereditary spastic paraplegia 39 (SPG39). Also called: SPASTIC PARAPLEGIA 39, AUTOSOMAL RECESSIVE; Spastic Paraplegia Type 39 (SPG39). Identifiers: Orphanet 139480, MedGen C2677586, MONDO:0012787, OMIM 612020.

Submission:

Labcorp Genetics (formerly Invitae), Labcorp
Classification: Uncertain significance for Hereditary spastic paraplegia 39. Last evaluated: 2022-08-30. Review status: criteria provided, single submitter. Criteria: Invitae Variant Classification Sherloc (09022015). Collection method: clinical testing. Allele origin: germline.
Comment: Algorithms developed to predict the effect of missense changes on protein structure and function (SIFT, PolyPhen-2, Align-GVGD) all suggest that this variant is likely to be tolerated. This variant has not been reported in the literature in individuals affected with PNPLA6-related conditions. This variant is not present in population databases (gnomAD no frequency). This sequence change replaces isoleucine, which is neutral and non-polar, with leucine, which is neutral and non-polar, at codon 377 of the PNPLA6 protein (p.Ile377Leu). In summary, the available evidence is currently insufficient to determine the role of this variant in disease. Therefore, it has been classified as a Variant of Uncertain Significance.